The following is an entry in ClinVar:

ClinVar aggregate classification (germline): Pathogenic. Review status: criteria provided, single submitter (1 of 4 stars). 2 submissions from 1 submitter: Pathogenic (1). 1 of the submissions does not count toward it. Last evaluated 2017-10-19.

Conditions:
Rienhoff syndrome. Also called: LOEYS-DIETZ SYNDROME 5. Identifiers: MedGen C3810012, MONDO:0014262, OMIM 615582.

Submissions (2):

Clinical Genetics and Genomics, Karolinska University Hospital
Classification: Pathogenic for Rienhoff syndrome. Last evaluated: 2017-10-19. Review status: criteria provided, single submitter. Criteria: ACMG Guidelines, 2015. Collection method: clinical testing. Allele origin: unknown. Inheritance: Autosomal dominant inheritance. Affected: yes. Observed: 1 variant allele, 1 heterozygote.
Comment: Clinical diagnosis LDS i family, AD inheritance.

Clinical Genetics and Genomics, Karolinska University Hospital
Classification: Pathogenic. Last evaluated: 2017-10-19. Review status: flagged submission. Criteria: ACMG Guidelines, 2015. Collection method: clinical testing. Allele origin: germline. Affected: yes. Observed: 6 variant alleles. Not counted in ClinVar's aggregate classification.
ClinVar note: Reason: This record appears to be redundant with a more recent record from the same submitter.
ClinVar note: Notes: SCV001449760 appears to be redundant with SCV000607739.

NM_003239.5(TGFB3):c.321dup (p.Phe108fs)

Gene: TGFB3 (transforming growth factor beta 3; minus strand). Cytogenetic location: 14q24.3.
Variant type: Duplication.
Coding change: c.321dup on transcript NM_003239.5 (MANE Select); coding-DNA position 321, one base duplicated (A; older notation c.321dupA).
Protein change: p.Phe108fs; shifts the reading frame from phenylalanine 108.
Molecular consequence: frameshift variant.
Genome position (GRCh38, 1-based): chr14:75,980,573, T duplicated on the plus strand (A on the coding strand, the reverse complement: TGFB3 is on the minus strand); the first of 3 consecutive T bases (chr14:75,980,573-75,980,575); duplicating any one gives the same sequence. VCF-style (leftmost placement, unchanged base first): chr14-75980572-A-AT. GRCh37 (hg19) VCF-style: chr14-76446915-A-AT.
Other names: c.321dup, p.Phe108fs (NM_001329938.2, NM_001329939.2); short protein forms F108fs.
Identifiers: ClinVar variation 441282 (VCV000441282.3), dbSNP rs1555361385, ClinGen allele CA658653821.